The following is an entry in ClinVar:

ClinVar aggregate classification (germline): Likely benign. Review status: criteria provided, multiple submitters, no conflicts (2 of 4 stars). 4 submissions from 4 submitters: Likely benign (4). Last evaluated 2024-07-10.

Conditions:
Cardiomyopathy (CMYO). Also called: Cardiomyopathies. Identifiers: Orphanet 167848, MedGen C0878544, MONDO:0004994, HP:0001638. Inheritance: Various modes of inheritance.
Hypertrophic cardiomyopathy. Also called: HYPERTROPHIC MYOCARDIOPATHY. Identifiers: Orphanet 217569, MedGen C0007194, MeSH D002312, MONDO:0005045, HP:0001639.

Allele frequency attached by ClinVar (database versions not stated): TOPMed below 0.00001; gnomAD 0.00001.
gnomAD v4.1: 1 of 1,613,248 alleles (0.000062%); highest among the groups gnomAD compares: African/African-American, 0.0013%; no homozygotes.

Submissions (4):

All of Us Research Program, National Institutes of Health
Classification: Likely benign for Hypertrophic cardiomyopathy. Last evaluated: 2024-07-10. Review status: criteria provided, single submitter. Criteria: ACMG Guidelines, 2015. Collection method: clinical testing. Allele origin: germline. Inheritance: Autosomal dominant inheritance. Observed: 1 variant allele, 1 heterozygote.
Comment: This study involves interpretation of variants in research participants for the purpose of population health screening. Participant phenotype was not available at the time of variant classification. Additional details can be found in publication PMID: 35346344, PMCID: PMC8962531

Labcorp Genetics (formerly Invitae), Labcorp
Classification: Likely benign for Hypertrophic cardiomyopathy. Last evaluated: 2024-02-23. Review status: criteria provided, single submitter. Criteria: Invitae Variant Classification Sherloc (09022015). Collection method: clinical testing. Allele origin: germline.

Color Diagnostics, LLC DBA Color Health
Classification: Likely benign for Cardiomyopathy. Last evaluated: 2019-12-09. Review status: criteria provided, single submitter. Criteria: ACMG Guidelines, 2015. Collection method: clinical testing. Allele origin: germline.

Blueprint Genetics
Classification: Likely benign. Last evaluated: 2019-10-11. Review status: criteria provided, single submitter. Criteria: ACMG Guidelines, 2015. Collection method: clinical testing. Allele origin: germline.

NM_001018005.2(TPM1):c.39C>G (p.Leu13=)

Gene: TPM1 (tropomyosin 1; plus strand). Cytogenetic location: 15q22.2.
Variant type: single nucleotide variant.
Coding change: c.39C>G on transcript NM_001018005.2 (MANE Select); coding-DNA position 39, C replaced by G.
Protein change: p.Leu13=; no amino-acid change (leucine 13 retained).
Molecular consequence: synonymous variant.
Genome position (GRCh38, 1-based): chr15:63,042,868, C>G. VCF-style: chr15-63042868-C-G. GRCh37 (hg19) VCF-style: chr15-63335067-C-G.
Other names: c.39C>G, p.Leu13= (NM_000366.6, NM_001018004.2, NM_001018006.2 and 7 more transcripts).
Identifiers: ClinVar variation 757856 (VCV000757856.10), dbSNP rs1439080260, ClinGen allele CA490677843.